The following is an entry in ClinVar:

NM_000138.5(FBN1):c.7773C>T (p.Ser2591=)

Gene: FBN1 (fibrillin 1; minus strand). Cytogenetic location: 15q21.1.
Variant type: single nucleotide variant.
Coding change: c.7773C>T on transcript NM_000138.5 (MANE Select); coding-DNA position 7773, C replaced by T.
Protein change: p.Ser2591=; no amino-acid change (serine 2591 retained).
Molecular consequence: synonymous variant.
Genome position (GRCh38, 1-based): chr15:48,420,733, G>A on the plus strand (C>T on the coding strand, the complement: FBN1 is on the minus strand). VCF-style: chr15-48420733-G-A. GRCh37 (hg19) VCF-style: chr15-48712930-G-A.
Identifiers: ClinVar variation 629586 (VCV000629586.41), dbSNP rs764526450, ClinGen allele CA059190.

ClinVar aggregate classification (germline): Likely benign. Review status: criteria provided, multiple submitters, no conflicts (2 of 4 stars). 7 submissions from 7 submitters: Likely benign (7). Last evaluated 2025-10-22.

Conditions:
Marfan syndrome (MFS). Also called: MARFAN SYNDROME, TYPE I; Marfan syndrome type 1; Marfan's syndrome; Marfan syndrome, classic; FBN1-Related Marfan Syndrome. Identifiers: Orphanet 284963, Orphanet 558, MedGen C0024796, MONDO:0007947, OMIM 154700.
Familial thoracic aortic aneurysm and aortic dissection (TAAD). Also called: Thoracic aortic aneurysms and dissections. Identifiers: Orphanet 91387, MedGen C4707243, MONDO:0019625.

Allele frequency attached by ClinVar (database versions not stated): gnomAD 0.00001; TOPMed 0.00001; ExAC 0.00003; gnomAD exomes 0.00004 and 0.00005.
gnomAD v4.1: 59 of 1,613,866 alleles (0.0037%); highest among the groups gnomAD compares: Middle Eastern, 0.033%; no homozygotes.

Submissions (7):

Labcorp Genetics (formerly Invitae), Labcorp
Classification: Likely benign for Marfan syndrome; Familial thoracic aortic aneurysm and aortic dissection. Last evaluated: 2025-10-22. Review status: criteria provided, single submitter. Criteria: Invitae Variant Classification Sherloc (09022015). Collection method: clinical testing. Allele origin: germline.

Women's Health and Genetics/Laboratory Corporation of America, LabCorp
Classification: Likely benign. Last evaluated: 2024-12-06. Review status: criteria provided, single submitter. Criteria: LabCorp Variant Classification Summary - May 2015. Collection method: clinical testing. Allele origin: germline.

All of Us Research Program, National Institutes of Health
Classification: Likely benign for Marfan syndrome. Last evaluated: 2023-09-17. Review status: criteria provided, single submitter. Criteria: ACMG Guidelines, 2015. Collection method: clinical testing. Allele origin: germline. Inheritance: Autosomal dominant inheritance. Observed: 4 variant alleles, 4 heterozygotes.
Comment: This study involves interpretation of variants in research participants for the purpose of population health screening. Participant phenotype was not available at the time of variant classification. Additional details can be found in publication PMID: 35346344, PMCID: PMC8962531

CeGaT Center for Human Genetics Tuebingen
Classification: Likely benign. Last evaluated: 2023-06-01. Review status: criteria provided, single submitter. Criteria: CeGaT Center For Human Genetics Tuebingen Variant Classification Criteria Version 2. Collection method: clinical testing. Allele origin: germline. Affected: yes. Observed: 1 variant allele.
Comment: FBN1: BP4, BP7

Blueprint Genetics
Classification: Likely benign. Last evaluated: 2022-11-22. Review status: criteria provided, single submitter. Criteria: ACMG Guidelines, 2015. Collection method: clinical testing. Allele origin: germline.

Ambry Genetics
Classification: Likely benign for Familial thoracic aortic aneurysm and aortic dissection. Last evaluated: 2020-01-14. Review status: criteria provided, single submitter. Criteria: Ambry Variant Classification Scheme 2023. Collection method: clinical testing. Allele origin: germline.

Color Diagnostics, LLC DBA Color Health
Classification: Likely benign for Familial thoracic aortic aneurysm and aortic dissection. Last evaluated: 2018-10-16. Review status: criteria provided, single submitter. Criteria: ACMG Guidelines, 2015. Collection method: clinical testing. Allele origin: germline.